The following is an entry in ClinVar:

ClinVar aggregate classification (germline): Uncertain significance (1 of 4 stars; one submission).

Allele frequency attached by ClinVar (database versions not stated): gnomAD exomes below 0.00001; gnomAD 0.00001; TOPMed 0.00002.
gnomAD v4.1: 4 of 1,538,032 alleles (0.00026%); highest among the groups gnomAD compares: Non-Finnish European, 0.00026%; no homozygotes.

Submission:

Labcorp Genetics (formerly Invitae), Labcorp
Classification: Uncertain significance. Last evaluated: 2023-12-09. Review status: criteria provided, single submitter. Criteria: Invitae Variant Classification Sherloc (09022015). Collection method: clinical testing. Allele origin: germline.
Comment: This sequence change replaces isoleucine, which is neutral and non-polar, with leucine, which is neutral and non-polar, at codon 131 of the ACER3 protein (p.Ile131Leu). This variant is not present in population databases (gnomAD no frequency). This variant has not been reported in the literature in individuals affected with ACER3-related conditions. Advanced modeling of protein sequence and biophysical properties (such as structural, functional, and spatial information, amino acid conservation, physicochemical variation, residue mobility, and thermodynamic stability) performed at Invitae indicates that this missense variant is not expected to disrupt ACER3 protein function with a negative predictive value of 80%. In summary, the available evidence is currently insufficient to determine the role of this variant in disease. Therefore, it has been classified as a Variant of Uncertain Significance.

NM_018367.7(ACER3):c.391A>C (p.Ile131Leu)

Gene: ACER3 (alkaline ceramidase 3; plus strand). Cytogenetic location: 11q13.5.
Variant type: single nucleotide variant.
Coding change: c.391A>C on transcript NM_018367.7 (MANE Select); coding-DNA position 391, A replaced by C.
Protein change: p.Ile131Leu; replaces isoleucine 131 with leucine.
Molecular consequence: missense variant.
Genome position (GRCh38, 1-based): chr11:76,985,713, A>C. VCF-style: chr11-76985713-A-C. GRCh37 (hg19) VCF-style: chr11-76696757-A-C.
Other names: c.106A>C, p.Ile36Leu (NM_001300954.2, NM_001300955.2); c.280A>C, p.Ile94Leu (NM_001300953.2); short protein forms I131L, I36L, I94L.
Identifiers: ClinVar variation 3014900 (VCV003014900.3), dbSNP rs1156582261, ClinGen allele CA381925232.